The following is an entry in ClinVar:

ClinVar aggregate classification (germline): Uncertain significance (1 of 4 stars; one submission).

Allele frequency attached by ClinVar (database versions not stated): gnomAD exomes below 0.00001.
gnomAD v4.1: 1 of 1,608,884 alleles (0.000062%); highest among the groups gnomAD compares: East Asian, 0.0022%; no homozygotes.

Submission:

Ambry Genetics
Classification: Uncertain significance. Last evaluated: 2023-09-09. Review status: criteria provided, single submitter. Criteria: Ambry Variant Classification Scheme 2023. Collection method: clinical testing. Allele origin: germline.
Comment: The p.D330G variant (also known as c.989A>G), located in coding exon 11 of the NPAT gene, results from an A to G substitution at nucleotide position 989. The aspartic acid at codon 330 is replaced by glycine, an amino acid with similar properties. This amino acid position is conserved. In addition, the in silico prediction for this alteration is inconclusive. Since supporting evidence is limited at this time, the clinical significance of this alteration remains unclear.

NM_002519.3(NPAT):c.989A>G (p.Asp330Gly)

Gene: NPAT (nuclear protein, coactivator of histone transcription; minus strand). Cytogenetic location: 11q22.3.
Variant type: single nucleotide variant.
Coding change: c.989A>G on transcript NM_002519.3 (MANE Select); coding-DNA position 989, A replaced by G.
Protein change: p.Asp330Gly; replaces aspartic acid 330 with glycine.
Molecular consequence: missense variant.
Genome position (GRCh38, 1-based): chr11:108,177,008, T>C on the plus strand (A>G on the coding strand, the complement: NPAT is on the minus strand). VCF-style: chr11-108177008-T-C. GRCh37 (hg19) VCF-style: chr11-108047735-T-C.
Other names: c.989A>G, p.Asp330Gly (NM_001321307.1); short protein forms D330G.
Identifiers: ClinVar variation 2587690 (VCV002587690.2), dbSNP rs2496727202, ClinGen allele CA382517174.